The following is an entry in ClinVar:

ClinVar aggregate classification (germline): Conflicting classifications of pathogenicity. Review status: criteria provided, conflicting classifications (1 of 4 stars). 2 submissions from 2 submitters: Uncertain significance (1); Likely benign (1). Last evaluated 2024-08-31.

Conditions:
Nemaline myopathy 2 (NEM2). Also called: Nemaline myopathy 2, autosomal recessive. Identifiers: MedGen C1850569, MONDO:0009725, OMIM 256030.

Allele frequency attached by ClinVar (database versions not stated): gnomAD exomes 0.00001 and 0.00006; gnomAD 0.00004; ExAC 0.00005; TOPMed 0.00007.
gnomAD v4.1: 23 of 1,584,264 alleles (0.0015%); highest among the groups gnomAD compares: East Asian, 0.047%; no homozygotes.

Submissions (2):

Labcorp Genetics (formerly Invitae), Labcorp
Classification: Likely benign for Nemaline myopathy 2. Last evaluated: 2024-08-31. Review status: criteria provided, single submitter. Criteria: Invitae Variant Classification Sherloc (09022015). Collection method: clinical testing. Allele origin: germline.

Baylor Genetics
Classification: Uncertain significance for Nemaline myopathy 2. Last evaluated: 2018-01-24. Review status: criteria provided, single submitter. Criteria: ACMG Guidelines, 2015. Collection method: clinical testing. Allele origin: unknown. Affected: yes.
Comment: This variant was determined to be of uncertain significance according to ACMG Guidelines, 2015 [PMID:25741868].

NM_001164508.2(NEB):c.6916-20T>C

Gene: NEB (nebulin; minus strand). Cytogenetic location: 2q23.3.
Variant type: single nucleotide variant.
Coding change: c.6916-20T>C on transcript NM_001164508.2 (MANE Select); 20 bases into the intron before coding-DNA position 6916, T replaced by C.
Molecular consequence: intron variant.
Genome position (GRCh38, 1-based): chr2:151,650,905, A>G on the plus strand (T>C on the coding strand, the complement: NEB is on the minus strand). VCF-style: chr2-151650905-A-G. GRCh37 (hg19) VCF-style: chr2-152507419-A-G.
Other names: c.6916-20T>C (NM_004543.5, NM_001164507.2, NM_001271208.2).
Identifiers: ClinVar variation 1032719 (VCV001032719.6), dbSNP rs780933765, ClinGen allele CA1909959.
Genomic context (GRCh38, chr2:151,650,905, plus strand): 5'-TGGTGGCCAAGTTGCTTTCGGTAGCCTTGTTTGTATTTATACTGAAATCAGAGAAAACAC[A>G]GCTCTTTTAGTACACAAAGGCCAAGTTAAGCTCAACTTGCTTTTTTTTCTTTTCTTTCTT-3'